The following is an entry in ClinVar:

ClinVar aggregate classification (germline): Uncertain significance. Review status: criteria provided, multiple submitters, no conflicts (2 of 4 stars). 2 submissions from 2 submitters: Uncertain significance (2). Last evaluated 2024-11-15.

Conditions:
Autosomal dominant nonsyndromic hearing loss 1. Also called: DEAFNESS, AUTOSOMAL DOMINANT 1, WITH OR WITHOUT THROMBOCYTOPENIA; KONIGSMARK SYNDROME. Identifiers: Orphanet 90635, MedGen C1852282, MONDO:0007424, OMIM 124900.
Progressive microcephaly-seizures-cortical blindness-developmental delay syndrome. Also called: Seizures, cortical blindness, and microcephaly syndrome. Identifiers: Orphanet 477814, MedGen C5567650, MONDO:0014714, OMIM 616632.

Allele frequency attached by ClinVar (database versions not stated): gnomAD exomes below 0.00001; TOPMed below 0.00001.
gnomAD v4.1: 5 of 1,613,984 alleles (0.00031%); highest among the groups gnomAD compares: African/African-American, 0.004%; no homozygotes.

Submissions (2):

GeneDx
Classification: Uncertain significance. Last evaluated: 2024-11-15. Review status: criteria provided, single submitter. Criteria: GeneDx Variant Classification Process June 2021. Collection method: clinical testing. Allele origin: germline.
Comment: Not observed at significant frequency in large population cohorts (gnomAD); In silico analysis supports that this missense variant has a deleterious effect on protein structure/function; Has not been previously published as pathogenic or benign to our knowledge

Labcorp Genetics (formerly Invitae), Labcorp
Classification: Uncertain significance for Progressive microcephaly-seizures-cortical blindness-developmental delay syndrome; Autosomal dominant nonsyndromic hearing loss 1. Last evaluated: 2022-11-23. Review status: criteria provided, single submitter. Criteria: Invitae Variant Classification Sherloc (09022015). Collection method: clinical testing. Allele origin: germline.
Comment: This variant is not present in population databases (gnomAD no frequency). This sequence change replaces aspartic acid, which is acidic and polar, with glycine, which is neutral and non-polar, at codon 470 of the DIAPH1 protein (p.Asp470Gly). This variant has not been reported in the literature in individuals affected with DIAPH1-related conditions. ClinVar contains an entry for this variant (Variation ID: 645115). Algorithms developed to predict the effect of missense changes on protein structure and function are either unavailable or do not agree on the potential impact of this missense change (SIFT: "Deleterious"; PolyPhen-2: "Not Available"; Align-GVGD: "Class C0"). In summary, the available evidence is currently insufficient to determine the role of this variant in disease. Therefore, it has been classified as a Variant of Uncertain Significance.

NM_005219.5(DIAPH1):c.1409A>G (p.Asp470Gly)

Gene: DIAPH1 (diaphanous related formin 1; minus strand). Cytogenetic location: 5q31.3.
Variant type: single nucleotide variant.
Coding change: c.1409A>G on transcript NM_005219.5 (MANE Select); coding-DNA position 1409, A replaced by G.
Protein change: p.Asp470Gly; replaces aspartic acid 470 with glycine.
Molecular consequence: missense variant.
Genome position (GRCh38, 1-based): chr5:141,576,282, T>C on the plus strand (A>G on the coding strand, the complement: DIAPH1 is on the minus strand). VCF-style: chr5-141576282-T-C. GRCh37 (hg19) VCF-style: chr5-140955849-T-C.
Other names: c.1382A>G, p.Asp461Gly (NM_001079812.3); c.1409A>G, p.Asp470Gly (NM_001314007.2); short protein forms D470G, D461G.
Identifiers: ClinVar variation 645115 (VCV000645115.11), dbSNP rs1596381822, ClinGen allele CA361526941.
Genomic context (GRCh38, chr5:141,576,282, plus strand): 5'-ATATGCACCTTCTTTTCCAGCTCTGCAGCTTTGGCTTCAGATTTCTCCACCTTTGTCTTA[T>C]CAATCATTTGATCTGAAAAGAAGAAGAGTCAGTAAGTAAAGCTCCTAATTCTCTTGTTCT-3'
Protein context (NP_005210.3, residues 460-480): EIEGLIDQMI[Asp470Gly]KTKVEKSEAK